The following is an entry in ClinVar:

NM_003924.4(PHOX2B):c.197G>A (p.Ser66Asn)

Genes: PHOX2B-AS1 (PHOX2B antisense RNA 1; plus strand), PHOX2B (paired like homeobox 2B; minus strand). Cytogenetic location: 4p13.
Variant type: single nucleotide variant.
Coding change: c.197G>A on transcript NM_003924.4 (MANE Select); coding-DNA position 197, G replaced by A.
Protein change: p.Ser66Asn; replaces serine 66 with asparagine.
Molecular consequence: missense variant. On other transcripts: non-coding transcript variant (1).
Genome position (GRCh38, 1-based): chr4:41,748,414, C>T on the plus strand (G>A on the coding strand, the complement: PHOX2B is on the minus strand). VCF-style: chr4-41748414-C-T. GRCh37 (hg19) VCF-style: chr4-41750431-C-T.
Other names: short protein forms S66N.
Identifiers: ClinVar variation 4666054 (VCV004666054.1).

ClinVar aggregate classification (germline): Uncertain significance (1 of 4 stars; one submission).

Conditions:
Hereditary cancer-predisposing syndrome. Also called: Neoplastic Syndromes, Hereditary; Tumor predisposition; Hereditary Cancer Syndrome; Hereditary neoplastic syndrome. Identifiers: Orphanet 140162, MedGen C0027672, MeSH D009386, MONDO:0015356.

Submission:

Ambry Genetics
Classification: Uncertain significance for Hereditary cancer-predisposing syndrome. Last evaluated: 2025-11-05. Review status: criteria provided, single submitter. Criteria: Ambry Variant Classification Scheme 2023. Collection method: clinical testing. Allele origin: germline.
Comment: The p.S66N variant (also known as c.197G>A), located in coding exon 1 of the PHOX2B gene, results from a G to A substitution at nucleotide position 197. The serine at codon 66 is replaced by asparagine, an amino acid with highly similar properties. This amino acid position is conserved. In addition, this alteration is predicted to be tolerated by in silico analysis. Based on the available evidence, the clinical significance of this variant remains unclear.